The following continues an entry in ClinVar:

NM_000518.5(HBB):c.79G>A (p.Glu27Lys)

ClinVar aggregate classification (germline): Pathogenic. Pathogenic (38).

Submissions 37 to 45 of 45:

Neuberg Centre For Genomic Medicine, NCGM
Classification: Pathogenic for Beta-thalassemia HBB/LCRB. Review status: criteria provided, single submitter. Criteria: ACMG Guidelines, 2015. Collection method: clinical testing. Allele origin: germline. Inheritance: Autosomal recessive inheritance. Affected: yes.
Comment: The missense c.79G>A(p.Glu27Lys) variant in HBB gene has been reported in both homozygous and heterozygous states in multiple individuals affected with hemoglobin-related disorder (Prajantasen et al., 2014; Jayasree et al., 2016). Studies have shown that this missense change alters mRNA splicing and is expected to lead to the loss of protein expression (Chen Q et. al., 2012). This variant is reported with allele frequency of 0.02% in gnomAD Exomes and is novel (not in any individuals) in 1000 Genomes. This variant has been submitted to the ClinVar database as Pathogenic (multiple submissions). The amino acid change p.Glu27Lys in HBB is predicted as conserved by GERP++ and PhyloP across 100 vertebrates. Multiple lines of computational evidence (Polyphen, SIFT and MutationTaster) predict a conflicting evidences on protein structure and function for this variant. The amino acid Glu at position 27 is changed to a Lys changing protein sequence and it might alter its composition and physico-chemical properties. For these reasons, this variant has been classified as Pathogenic.

Suma Genomics
Classification: Pathogenic for Beta-thalassemia HBB/LCRB. Review status: criteria provided, single submitter. Criteria: ACMG Guidelines, 2015. Collection method: clinical testing. Allele origin: unknown. Inheritance: Autosomal recessive inheritance. Affected: yes.

MOLECULAR BIOLOGY AND HUMAN GENETICS DIVISION, THE UNIVERSITY OF BURDWAN
Classification: Pathogenic for Beta-thalassemia HBB/LCRB. Last evaluated: 2024-05-07. Review status: no assertion criteria provided. Collection method: clinical testing. Allele origin: germline. Affected: yes. Observed: 334 variant alleles. Not counted in ClinVar's aggregate classification.
Comment: The HBB variant c.79G>A (beta+), which results in unstable Hemoglobin E, is clinically benign when present in compound heterozygous with other Beta zero mutation. Accrpdingly when this variant occurs alongside other pathogenic HBB variants, it can lead to varying degrees of anemia. The frequency of this variant varies across different populations in India.The prevalence of this variant shows significant regional differences. In the Bengali population of Eastern India, the prevalence is notably high at approximately 33.23%, whereas in the Northern Indian population, the frequency is very low, at around 0.2% among thalassemia patients. According to our multicentric Multicentric Project - A Genetic Diagnostic Algorithm Based Study for Thalassemia in Northern and Eastern Indian Populations", Funded by Dept. of Biotechnology , Govt of India [Project No. BT/PR26461/MED/12/821/2018],

The ITHANET community portal, The Cyprus Institute of Neurology and Genetics
Classification: Pathogenic for beta Thalassemia. Last evaluated: 2019-11-25. Review status: no assertion criteria provided. Collection method: curation. Allele origin: germline. Not counted in ClinVar's aggregate classification.

OMIM
Classification: other for HEMOGLOBIN E. Last evaluated: 2009-11-03. Review status: no assertion criteria provided. Collection method: literature only. Allele origin: germline. Not counted in ClinVar's aggregate classification.

OMIM
Classification: Pathogenic for BETA-PLUS-THALASSEMIA. Last evaluated: 2009-11-03. Review status: no assertion criteria provided. Collection method: literature only. Allele origin: germline. Not counted in ClinVar's aggregate classification.

OMIM
Classification: Pathogenic for BETA-E-THALASSEMIA. Last evaluated: 2009-11-03. Review status: no assertion criteria provided. Collection method: literature only. Allele origin: germline. Not counted in ClinVar's aggregate classification.

OMIM
Classification: protective for MALARIA, RESISTANCE TO. Last evaluated: 2009-11-03. Review status: no assertion criteria provided. Collection method: literature only. Allele origin: germline. Not counted in ClinVar's aggregate classification.

GeneReviews
No classification provided. Condition: Hb SS disease. Review status: no classification provided. Collection method: literature only. Allele origin: germline. Not counted in ClinVar's aggregate classification.

Literature cited by the submitters: PubMed 39154456 (cited by Department of Otolaryngology Head and Neck Surgery, Hainan Hospital of the Chinese People’s Liberation Army General Hospital); PubMed 29182041 (cited by Department of Otolaryngology Head and Neck Surgery, Hainan Hospital of the Chinese People’s Liberation Army General Hospital); PubMed 40016398 (cited by Department of Otolaryngology Head and Neck Surgery, Hainan Hospital of the Chinese People’s Liberation Army General Hospital); PubMed 21732929 (cited by 5 submitters); PubMed 26554862 (cited by 3 submitters); PubMed 22260787 (cited by 4 submitters); PubMed 20301599 (cited by Center for Genomic Medicine, Rigshospitalet, Copenhagen University Hospital and Illumina Laboratory Services, Illumina); PubMed 24581976 (cited by Natera, Inc. and Women's Health and Genetics/Laboratory Corporation of America, LabCorp); PubMed 15481887 (cited by 3billion); PubMed 7177196 (cited by 4 submitters); PubMed 16750922 (cited by Women's Health and Genetics/Laboratory Corporation of America, LabCorp); PubMed 28546763 (cited by Victorian Clinical Genetics Services, Murdoch Childrens Research Institute); PubMed 29700171 (cited by Victorian Clinical Genetics Services, Murdoch Childrens Research Institute); PubMed 31788855 (cited by Victorian Clinical Genetics Services, Murdoch Childrens Research Institute); PubMed 17278112 (cited by Myriad Genetics, Inc.); PubMed 7395858 (cited by 3 submitters); PubMed 22028795 (cited by Myriad Genetics, Inc.); PubMed 6166632 (cited by Myriad Genetics, Inc. and Ambry Genetics); PubMed 24368026 (cited by Myriad Genetics, Inc.); PubMed 25370867 (cited by Illumina Laboratory Services, Illumina); PubMed 18024613 (cited by Ambry Genetics); PubMed 34060430 (cited by Kasturba Medical College, Manipal, Kasturba Medical College, Manipal, Manipal Academy of Higher Education, Manipal, India); PubMed 27828729 (cited by MOLECULAR BIOLOGY AND HUMAN GENETICS DIVISION, THE UNIVERSITY OF BURDWAN); PubMed 5863839 (cited by The ITHANET community portal, The Cyprus Institute of Neurology and Genetics); PubMed 6198908 (cited by The ITHANET community portal, The Cyprus Institute of Neurology and Genetics); PubMed 13716853 (cited by OMIM); PubMed 14091853 (cited by OMIM); PubMed 5658717 (cited by OMIM); PubMed 15470211 (cited by OMIM); Kazazian, H. H., Jr. Personal Communication. 1992. Baltimore, Md. (cited by OMIM); PubMed 6280057 (cited by OMIM); PubMed 6275383 (cited by OMIM); PubMed 3031297 (cited by OMIM); PubMed 1960615 (cited by OMIM); PubMed 8839873 (cited by OMIM); PubMed 12149194 (cited by OMIM); PubMed 15114532 (cited by OMIM); PubMed 15481886 (cited by OMIM); PubMed 16114182 (cited by OMIM); PubMed 11425418 (cited by OMIM); PubMed 12850492 (cited by OMIM); PubMed 9653159 (cited by OMIM); PubMed 19841268 (cited by OMIM); PubMed 18568278 (cited by OMIM); PubMed 4351905 (cited by OMIM); NCBI Bookshelf NBK1377 (cited by GeneReviews).